The following is an entry in ClinVar:

ClinVar aggregate classification (germline): Benign/Likely benign. Review status: criteria provided, multiple submitters, no conflicts (2 of 4 stars). 3 submissions from 3 submitters: Benign (1); Likely benign (1). 1 of the submissions does not count toward it. Last evaluated 2026-01-26.

Conditions:
SUN1-related disorder. Also called: SUN1-related condition.
Emery-Dreifuss muscular dystrophy (EDMD). Also called: Scapuloperoneal syndrome, X-linked (formerly); Humeroperoneal neuromuscular disease, (formerly). Identifiers: Orphanet 261, MedGen C0410189, MONDO:0016830.

Allele frequency attached by ClinVar (database versions not stated): ESP Exome Variant Server 0.00022; gnomAD 0.00096 and 0.00154; gnomAD exomes 0.00107 and 0.00233; TOPMed 0.00144; ExAC 0.00265; 1000 Genomes Project 30x 0.00968; 1000 Genomes Project 0.00998.
gnomAD v4.1: 1,814 of 1,538,870 alleles (0.12%); highest among the groups gnomAD compares: East Asian, 3.7%; 36 homozygotes.

Submissions (3):

Labcorp Genetics (formerly Invitae), Labcorp
Classification: Benign for Emery-Dreifuss muscular dystrophy. Last evaluated: 2026-01-26. Review status: criteria provided, single submitter. Criteria: Invitae Variant Classification Sherloc (09022015). Collection method: clinical testing. Allele origin: germline.

Mayo Clinic Laboratories, Mayo Clinic
Classification: Likely benign. Last evaluated: 2025-04-15. Review status: criteria provided, single submitter. Criteria: ACMG Guidelines, 2015. Collection method: clinical testing. Allele origin: germline. Observed: 3 variant alleles.
Comment: BS1, BP4, BP7

PreventionGenetics, part of Exact Sciences
Classification: Benign for SUN1-related condition. Last evaluated: 2019-06-13. Review status: no assertion criteria provided. Collection method: clinical testing. Allele origin: germline. Not counted in ClinVar's aggregate classification.
Comment: This variant is classified as benign based on ACMG/AMP sequence variant interpretation guidelines (Richards et al. 2015 PMID: 25741868, with internal and published modifications).

NM_001130965.3(SUN1):c.78-3T>C

Gene: SUN1 (Sad1 and UNC84 domain containing 1; plus strand). Cytogenetic location: 7p22.3.
Variant type: single nucleotide variant.
Coding change: c.78-3T>C on transcript NM_001130965.3 (MANE Select); 3 bases into the intron before coding-DNA position 78, T replaced by C.
Molecular consequence: intron variant.
Genome position (GRCh38, 1-based): chr7:838,795, T>C. VCF-style: chr7-838795-T-C. GRCh37 (hg19) VCF-style: chr7-878432-T-C.
Other names: p.?; c.78-3T>C (NM_001171946.2, NM_001367634.1, NM_001367669.1 and 34 more transcripts); c.297-3T>C (NM_001367651.1); c.-380-3T>C (NM_001367635.1); c.78-3151T>C (NM_001367695.1); c.-73-3T>C (NM_001367666.1, NM_001367655.1, NM_001367691.1 and 24 more transcripts); c.-684-3T>C (NM_001367658.1); c.-301-3151T>C (NM_001367639.1); and 1 more.
Identifiers: ClinVar variation 461668 (VCV000461668.16), dbSNP rs77466627, ClinGen allele CA4111386.